The following is an entry in ClinVar:

NM_001615.4(ACTG2):c.439G>C (p.Gly147Arg)

Gene: ACTG2 (actin gamma 2, smooth muscle; plus strand). Cytogenetic location: 2p13.1.
Variant type: single nucleotide variant.
Coding change: c.439G>C on transcript NM_001615.4 (MANE Select); coding-DNA position 439, G replaced by C.
Protein change: p.Gly147Arg; replaces glycine 147 with arginine.
Molecular consequence: missense variant.
Genome position (GRCh38, 1-based): chr2:73,909,127, G>C. VCF-style: chr2-73909127-G-C. GRCh37 (hg19) VCF-style: chr2-74136254-G-C.
Other names: c.310G>C, p.Gly104Arg (NM_001199893.2); short protein forms G104R, G147R.
Identifiers: ClinVar variation 1526399 (VCV001526399.2), dbSNP rs2104815901, ClinGen allele CA347303256.
Genomic context (GRCh38, chr2:73,909,127, plus strand): 5'-ACCTTCAATGTCCCTGCCATGTACGTCGCCATTCAAGCTGTGCTCTCCCTCTATGCCTCT[G>C]GCCGCACGACAGGTGAGTAATCCTGTAATCCATTCCTTTTCTGACTTCAGGGGAGGTAGG-3'
Protein context (NP_001606.1, residues 137-157): IQAVLSLYAS[Gly147Arg]RTTGIVLDSG

ClinVar aggregate classification (germline): Likely pathogenic (1 of 4 stars; one submission).

Conditions:
Megacystis, microcolon, hypoperistalsis syndrome. Also called: Megacystis-microcolon-intestinal hypoperistalsis syndrome; Berdon syndrome. Identifiers: Orphanet 2241, MedGen C1608393, MONDO:0025986.

Submission:

Seattle Children's Hospital Molecular Genetics Laboratory, Seattle Children's Hospital
Classification: Likely pathogenic for Megacystis, microcolon, hypoperistalsis syndrome. Last evaluated: 2021-09-24. Review status: criteria provided, single submitter. Criteria: ACMG Guidelines, 2015. Collection method: clinical testing. Allele origin: unknown. Inheritance: Autosomal dominant inheritance. Affected: yes.
Comment: This variant has not been observed in large population studies (absent from >251,000 alleles, Genome Aggregation Database v2.1.1). The p.Gly147Arg variant has not been reported in the literature, but a different missense at the same amino acid position (c.439G>T, p.Gly147Cys) was reported in a patient with pediatric-onset chronic intestinal pseudo-obstruction (CIPO) (PMID: 30019982).

Literature cited by the submitters: PubMed 30019982.